The following is an entry in ClinVar:

NM_005094.4(SLC27A4):c.580C>T (p.Leu194=)

Gene: SLC27A4 (solute carrier family 27 member 4; plus strand). Cytogenetic location: 9q34.11.
Variant type: single nucleotide variant.
Coding change: c.580C>T on transcript NM_005094.4 (MANE Select); coding-DNA position 580, C replaced by T.
Protein change: p.Leu194=; no amino-acid change (leucine 194 retained).
Molecular consequence: synonymous variant.
Genome position (GRCh38, 1-based): chr9:128,348,568, C>T. VCF-style: chr9-128348568-C-T. GRCh37 (hg19) VCF-style: chr9-131110847-C-T.
Other names: c.580C>T (NM_005094.3).
Identifiers: ClinVar variation 2993643 (VCV002993643.5), dbSNP rs569192295, ClinGen allele CA5260984.
Genomic context (GRCh38, chr9:128,348,568, plus strand): 5'-TTCTGGCCTGCCTGCTGACTGCCCTGTCTCCCCACAGCCATCTGTGAGGTCCATGCCAGC[C>T]TGGACCCCTCGCTCAGCCTCTTCTGCTCTGGCTCCTGGGAGCCCGGTGCGGTGCCTCCAA-3'
Protein context (NP_005085.2, residues 184-204): ASAICEVHAS[Leu194=]DPSLSLFCSG

ClinVar aggregate classification (germline): Likely benign. Review status: criteria provided, single submitter (1 of 4 stars). 2 submissions from 2 submitters: Likely benign (1). 1 of the submissions does not count toward it. Last evaluated 2025-11-10.

Conditions:
SLC27A4-related disorder. Also called: SLC27A4-related condition.

Allele frequency attached by ClinVar (database versions not stated): gnomAD exomes 0.00001; gnomAD 0.00001; ExAC 0.00005; TOPMed below 0.00001; 1000 Genomes Project 30x 0.00016; 1000 Genomes Project 0.00020.
gnomAD v4.1: 22 of 1,613,368 alleles (0.0014%); highest among the groups gnomAD compares: South Asian, 0.024%; no homozygotes.

Submissions (2):

Labcorp Genetics (formerly Invitae), Labcorp
Classification: Likely benign. Last evaluated: 2025-11-10. Review status: criteria provided, single submitter. Criteria: Invitae Variant Classification Sherloc (09022015). Collection method: clinical testing. Allele origin: germline.

PreventionGenetics, part of Exact Sciences
Classification: Likely benign for SLC27A4-related condition. Last evaluated: 2019-05-28. Review status: no assertion criteria provided. Collection method: clinical testing. Allele origin: germline. Not counted in ClinVar's aggregate classification.
Comment: This variant is classified as likely benign based on ACMG/AMP sequence variant interpretation guidelines (Richards et al. 2015 PMID: 25741868, with internal and published modifications).